The following is an entry in ClinVar:

ClinVar aggregate classification (germline): Uncertain significance. Review status: criteria provided, multiple submitters, no conflicts (2 of 4 stars). 2 submissions from 2 submitters: Uncertain significance (2). Last evaluated 2025-04-13.

Submissions (2):

Ambry Genetics
Classification: Uncertain significance. Last evaluated: 2025-04-13. Review status: criteria provided, single submitter. Criteria: Ambry Variant Classification Scheme 2023. Collection method: clinical testing. Allele origin: germline.

CeGaT Center for Human Genetics Tuebingen
Classification: Uncertain significance. Last evaluated: 2024-10-01. Review status: criteria provided, single submitter. Criteria: CeGaT Center For Human Genetics Tuebingen Variant Classification Criteria Version 2. Collection method: clinical testing. Allele origin: germline. Affected: yes. Observed: 1 variant allele.
Comment: MRPS2: PM2

NM_016034.5(MRPS2):c.263G>A (p.Arg88Gln)

Gene: MRPS2 (mitochondrial ribosomal protein S2; plus strand). Cytogenetic location: 9q34.3.
Variant type: single nucleotide variant.
Coding change: c.263G>A on transcript NM_016034.5 (MANE Select); coding-DNA position 263, G replaced by A.
Protein change: p.Arg88Gln; replaces arginine 88 with glutamine.
Molecular consequence: missense variant. On other transcripts: non-coding transcript variant (4).
Genome position (GRCh38, 1-based): chr9:135,501,937, G>A. VCF-style: chr9-135501937-G-A. GRCh37 (hg19) VCF-style: chr9-138393783-G-A.
Other names: c.263G>A, p.Arg88Gln (NM_001371401.1); c.263G>A (NM_016034.3); short protein forms R88Q.
Identifiers: ClinVar variation 3388883 (VCV003388883.14).